The following is an entry in ClinVar:

ClinVar aggregate classification (germline): Pathogenic (1 of 4 stars; one submission).

Conditions:
Arrhythmogenic cardiomyopathy with wooly hair and keratoderma. Also called: Carvajal syndrome; PALMOPLANTAR KERATODERMA WITH LEFT VENTRICULAR CARDIOMYOPATHY AND WOOLLY HAIR; Dilated cardiomyopathy with woolly hair and keratoderma; Arrhythmogenic cardiomyopathy with woolly hair and keratoderma. Identifiers: Orphanet 65282, MedGen C1854063, MONDO:0011581, OMIM 605676.
Arrhythmogenic right ventricular dysplasia 8 (ARVD8). Also called: Arrhythmogenic Right Ventricular Dysplasia/Cardiomyopathy 8; ARRHYTHMOGENIC RIGHT VENTRICULAR DYSPLASIA, FAMILIAL, 8; ARRHYTHMOGENIC RIGHT VENTRICULAR CARDIOMYOPATHY 8. Identifiers: MedGen C1843896, MONDO:0011831, OMIM 607450.

Submission:

Labcorp Genetics (formerly Invitae), Labcorp
Classification: Pathogenic for Arrhythmogenic cardiomyopathy with wooly hair and keratoderma; Arrhythmogenic right ventricular dysplasia 8. Last evaluated: 2025-07-13. Review status: criteria provided, single submitter. Criteria: Invitae Variant Classification Sherloc (09022015). Collection method: clinical testing. Allele origin: germline.
Comment: This sequence change creates a premature translational stop signal (p.Glu2324*) in the DSP gene. While this is not anticipated to result in nonsense mediated decay, it is expected to disrupt the last 548 amino acid(s) of the DSP protein. This variant is not present in population databases (gnomAD no frequency). This variant has not been reported in the literature in individuals affected with DSP-related conditions. This variant disrupts a region of the DSP protein in which other variant(s) (p.Gln2765Alafs*23) have been determined to be pathogenic (PMID: 21859740). This suggests that this is a clinically significant region of the protein, and that variants that disrupt it are likely to be disease-causing. For these reasons, this variant has been classified as Pathogenic.

Literature cited by the submitters: PubMed 21859740.

NM_004415.4(DSP):c.6970G>T (p.Glu2324Ter)

Gene: DSP (desmoplakin; plus strand). Cytogenetic location: 6p24.3.
Variant type: single nucleotide variant.
Coding change: c.6970G>T on transcript NM_004415.4 (MANE Select); coding-DNA position 6970, G replaced by T.
Protein change: p.Glu2324Ter; replaces glutamic acid 2324 with a stop codon.
Molecular consequence: nonsense.
Genome position (GRCh38, 1-based): chr6:7,584,232, G>T. VCF-style: chr6-7584232-G-T. GRCh37 (hg19) VCF-style: chr6-7584465-G-T.
Other names: c.5173G>T, p.Glu1725Ter (NM_001008844.3); c.5641G>T, p.Glu1881Ter (NM_001319034.2); short protein forms E1881*, E2324*, E1725*.
Identifiers: ClinVar variation 4785543 (VCV004785543.1).
Genomic context (GRCh38, chr6:7,584,232, plus strand): 5'-CCTGTTAGCAACTTGAGGTTACCAGTGGAGGAAGCCTACAAGAGAGGTCTGGTGGGCATT[G>T]AGTTCAAAGAGAAGCTCCTGTCTGCAGAACGAGCTGTCACTGGGTATAATGATCCTGAAA-3'